The following is an entry in ClinVar:

NM_014727.3(KMT2B):c.1412G>A (p.Arg471Gln)

Gene: KMT2B (lysine methyltransferase 2B; plus strand). Cytogenetic location: 19q13.12.
Variant type: single nucleotide variant.
Coding change: c.1412G>A on transcript NM_014727.3 (MANE Select); coding-DNA position 1412, G replaced by A.
Protein change: p.Arg471Gln; replaces arginine 471 with glutamine.
Molecular consequence: missense variant.
Genome position (GRCh38, 1-based): chr19:35,720,759, G>A. VCF-style: chr19-35720759-G-A. GRCh37 (hg19) VCF-style: chr19-36211661-G-A.
Other names: short protein forms R471Q.
Identifiers: ClinVar variation 2999233 (VCV002999233.3), dbSNP rs1210126385, ClinGen allele CA405391058.

ClinVar aggregate classification (germline): Uncertain significance (1 of 4 stars; one submission).

Allele frequency attached by ClinVar (database versions not stated): TOPMed 0.00001.
gnomAD v4.1: 6 of 1,474,120 alleles (0.00041%); highest among the groups gnomAD compares: Non-Finnish European, 0.00054%; no homozygotes.

Submission:

Labcorp Genetics (formerly Invitae), Labcorp
Classification: Uncertain significance. Last evaluated: 2023-01-22. Review status: criteria provided, single submitter. Criteria: Invitae Variant Classification Sherloc (09022015). Collection method: clinical testing. Allele origin: germline.
Comment: In summary, the available evidence is currently insufficient to determine the role of this variant in disease. Therefore, it has been classified as a Variant of Uncertain Significance. Advanced modeling of protein sequence and biophysical properties (such as structural, functional, and spatial information, amino acid conservation, physicochemical variation, residue mobility, and thermodynamic stability) performed at Invitae indicates that this missense variant is not expected to disrupt KMT2B protein function. This variant has not been reported in the literature in individuals affected with KMT2B-related conditions. This variant is not present in population databases (gnomAD no frequency). This sequence change replaces arginine, which is basic and polar, with glutamine, which is neutral and polar, at codon 471 of the KMT2B protein (p.Arg471Gln).